The following is an entry in ClinVar:

NM_000090.4(COL3A1):c.2608-79G>A

Gene: COL3A1 (collagen type III alpha 1 chain; plus strand). Cytogenetic location: 2q32.2.
Variant type: single nucleotide variant.
Coding change: c.2608-79G>A on transcript NM_000090.4 (MANE Select); 79 bases into the intron before coding-DNA position 2608, G replaced by A.
Molecular consequence: intron variant.
Genome position (GRCh38, 1-based): chr2:189,003,655, G>A. VCF-style: chr2-189003655-G-A. GRCh37 (hg19) VCF-style: chr2-189868381-G-A.
Identifiers: ClinVar variation 673376 (VCV000673376.2), dbSNP rs3765160, ClinGen allele CA11291756.

ClinVar aggregate classification (germline): Benign. Review status: criteria provided, multiple submitters, no conflicts (2 of 4 stars). 2 submissions from 2 submitters: Benign (2). Last evaluated 2018-06-18.

Allele frequency attached by ClinVar (database versions not stated): gnomAD exomes 0.03885; gnomAD 0.12041 and 0.12563; TOPMed 0.13123; 1000 Genomes Project 0.15196; 1000 Genomes Project 30x 0.15662.
gnomAD v4.1: 71,192 of 1,492,892 alleles (4.8%); highest among the groups gnomAD compares: African/African-American, 34%; 5,099 homozygotes.

Submissions (2):

GeneDx
Classification: Benign. Last evaluated: 2018-06-18. Review status: criteria provided, single submitter. Criteria: GeneDx Variant Classification (06012015). Collection method: clinical testing. Allele origin: germline. Affected: yes.
Comment: This variant is considered likely benign or benign based on one or more of the following criteria: it is a conservative change, it occurs at a poorly conserved position in the protein, it is predicted to be benign by multiple in silico algorithms, and/or has population frequency not consistent with disease.

Breakthrough Genomics
Classification: Benign. Review status: criteria provided, single submitter. Criteria: ACMG Guidelines, 2015. Collection method: not provided. Allele origin: germline. Inheritance: Autosomal recessive inheritance. Affected: yes.